The following is an entry in ClinVar:

NM_021930.6(RINT1):c.2228C>T (p.Ser743Phe)

Genes: EFCAB10 (EF-hand calcium binding domain 10; minus strand), RINT1 (RAD50 interactor 1; plus strand). Cytogenetic location: 7q22.3.
Variant type: single nucleotide variant.
Coding change: c.2228C>T on transcript NM_021930.6 (MANE Select); coding-DNA position 2228, C replaced by T.
Protein change: p.Ser743Phe; replaces serine 743 with phenylalanine.
Molecular consequence: missense variant. On other transcripts: 3 prime UTR variant (2), non-coding transcript variant (1), intron variant (3).
Genome position (GRCh38, 1-based): chr7:105,567,160, C>T. VCF-style: chr7-105567160-C-T. GRCh37 (hg19) VCF-style: chr7-105207607-C-T.
Other names: c.*294G>A (NM_001355527.2, NM_001355529.2); c.1994C>T, p.Ser665Phe (NM_001346599.2); c.1205C>T, p.Ser402Phe (NM_001346600.2, NM_001346603.2); c.1304C>T, p.Ser435Phe (NM_001346601.2); c.360-1713G>A (NM_001355531.2); c.383+307G>A (NM_001355526.2, NM_001355530.2); short protein forms S665F, S402F, S743F, S435F.
Identifiers: ClinVar variation 1788021 (VCV001788021.3), dbSNP rs772323757, ClinGen allele CA368815442.

ClinVar aggregate classification (germline): Uncertain significance (1 of 4 stars; one submission).

Allele frequency attached by ClinVar (database versions not stated): gnomAD exomes below 0.00001.
gnomAD v4.1: 2 of 1,599,262 alleles (0.00013%); highest among the groups gnomAD compares: East Asian, 0.0022%; no homozygotes.

Submission:

Ambry Genetics
Classification: Uncertain significance. Last evaluated: 2025-07-28. Review status: criteria provided, single submitter. Criteria: Ambry Variant Classification Scheme 2023. Collection method: clinical testing. Allele origin: germline.
Comment: The p.S743F variant (also known as c.2228C>T), located in coding exon 15 of the RINT1 gene, results from a C to T substitution at nucleotide position 2228. The serine at codon 743 is replaced by phenylalanine, an amino acid with highly dissimilar properties. This amino acid position is conserved. In addition, this alteration is predicted to be tolerated by in silico analysis. Since supporting evidence is limited at this time, the clinical significance of this alteration remains unclear.